The following is an entry in ClinVar:

GRCh38/hg38 16q21(chr16:57904875-57923272)x3

Genes: CNGB1 (cyclic nucleotide gated channel subunit beta 1; minus strand), LOC130059126 (ATAC-STARR-seq lymphoblastoid silent region 7538; plus strand). Cytogenetic location: 16q21.
Variant type: copy number gain.
Change: copy number 3 (three copies instead of two) of chr16:57,904,875-57,923,272 (18.4 kb, GRCh38 coordinates, 1-based), cytogenetic band 16q21.
Identifiers: ClinVar variation 1184809 (VCV001184809.4).

ClinVar aggregate classification (germline): Uncertain significance (0 of 4 stars; one submission).

Conditions:
Retinitis pigmentosa 45 (RP45). Identifiers: Orphanet 791, MedGen C3151066, MONDO:0013413, OMIM 613767.

Submission:

Center for Human Genetics and Genomic Medicine, Uniklinik Rwth Aachen
Classification: Uncertain significance for Retinitis pigmentosa 45. Last evaluated: 2021-07-06. Review status: no assertion criteria provided. Collection method: clinical testing. Allele origin: paternal. Inheritance: Autosomal recessive inheritance. Affected: yes. Observed: 1 variant allele, 1 compound heterozygote.
Comment: in trans / compound heterozygous with SUB9963624 CNGB1 NM_001297.4:c.1492del p.(Ser498Glnfs*5) Chr9:57931759del (hg38)